The following is an entry in ClinVar:

NM_001918.5(DBT):c.365_366del (p.Tyr122fs)

Gene: DBT (dihydrolipoamide branched chain transacylase E2; minus strand). Cytogenetic location: 1p21.2.
Variant type: Deletion.
Coding change: c.365_366del on transcript NM_001918.5 (MANE Select); coding-DNA positions 365 to 366, 2 bases deleted (AT; older notation c.365_366delAT).
Protein change: p.Tyr122fs; shifts the reading frame from tyrosine 122.
Molecular consequence: frameshift variant.
Genome position (GRCh38, 1-based): chr1:100,230,800-100,230,801, AT deleted on the plus strand (AT on the coding strand, the reverse complement: DBT is on the minus strand); deleting any 2 consecutive bases within chr1:100,230,800-100,230,802 gives the same sequence; the c. name uses the placement nearest the transcript's 3' end. VCF-style (leftmost placement, unchanged base first): chr1-100230799-AAT-A. GRCh37 (hg19) VCF-style: chr1-100696355-AAT-A.
Other names: short protein forms Y122fs.
Identifiers: ClinVar variation 1069743 (VCV001069743.10), dbSNP rs2100827350, ClinGen allele CA2499214080.

ClinVar aggregate classification (germline): Pathogenic (1 of 4 stars; one submission).

Conditions:
Maple syrup urine disease (MSUD). Identifiers: Orphanet 511, MedGen C0024776, MeSH D008375, MONDO:0009563. Disease mechanism: loss of function.

Submission:

Labcorp Genetics (formerly Invitae), Labcorp
Classification: Pathogenic for Maple syrup urine disease. Last evaluated: 2023-05-23. Review status: criteria provided, single submitter. Criteria: Invitae Variant Classification Sherloc (09022015). Collection method: clinical testing. Allele origin: germline.
Comment: For these reasons, this variant has been classified as Pathogenic. ClinVar contains an entry for this variant (Variation ID: 1069743). This premature translational stop signal has been observed in individuals with maple syrup urine disease (PMID: 18378174). It has also been observed to segregate with disease in related individuals. This variant is not present in population databases (gnomAD no frequency). This sequence change creates a premature translational stop signal (p.Tyr122Leufs*2) in the DBT gene. It is expected to result in an absent or disrupted protein product. Loss-of-function variants in DBT are known to be pathogenic (PMID: 16579849, 16786533).

Literature cited by the submitters: PubMed 18378174; PubMed 16579849; PubMed 16786533.